The following is an entry in ClinVar:

ClinVar aggregate classification (germline): Uncertain significance. Review status: criteria provided, multiple submitters, no conflicts (2 of 4 stars). 2 submissions from 2 submitters: Uncertain significance (2). Last evaluated 2024-08-08.

Conditions:
Pitt-Hopkins syndrome (PTHS). Also called: ENCEPHALOPATHY, SEVERE EPILEPTIC, WITH AUTONOMIC DYSFUNCTION; MENTAL RETARDATION, SYNDROMAL, WITH INTERMITTENT HYPERVENTILATION. Identifiers: Orphanet 2896, MedGen C1970431, MONDO:0012589, OMIM 610954.

Submissions (2):

Labcorp Genetics (formerly Invitae), Labcorp
Classification: Uncertain significance for Pitt-Hopkins syndrome. Last evaluated: 2024-08-08. Review status: criteria provided, single submitter. Criteria: Invitae Variant Classification Sherloc (09022015). Collection method: clinical testing. Allele origin: germline.
Comment: This sequence change replaces methionine, which is neutral and non-polar, with threonine, which is neutral and polar, at codon 280 of the TCF4 protein (p.Met280Thr). This variant is not present in population databases (gnomAD no frequency). This variant has not been reported in the literature in individuals affected with TCF4-related conditions. ClinVar contains an entry for this variant (Variation ID: 571367). Advanced modeling of protein sequence and biophysical properties (such as structural, functional, and spatial information, amino acid conservation, physicochemical variation, residue mobility, and thermodynamic stability) has been performed at Invitae for this missense variant, however the output from this modeling did not meet the statistical confidence thresholds required to predict the impact of this variant on TCF4 protein function. In summary, the available evidence is currently insufficient to determine the role of this variant in disease. Therefore, it has been classified as a Variant of Uncertain Significance.

GeneDx
Classification: Uncertain significance. Last evaluated: 2020-01-06. Review status: criteria provided, single submitter. Criteria: GeneDx Variant Classification Process June 2021. Collection method: clinical testing. Allele origin: germline. Affected: yes.
Comment: Not observed in large population cohorts (Lek et al., 2016); In silico analysis, which includes protein predictors and evolutionary conservation, supports a deleterious effect; Has not been previously published as pathogenic or benign to our knowledge

NM_001083962.2(TCF4):c.839T>C (p.Met280Thr)

Genes: TCF4 (transcription factor 4; minus strand), LOC126862757 (CDK7 strongly-dependent group 2 enhancer GRCh37_chr18:52936433-52937632; plus strand). Cytogenetic location: 18q21.2.
Variant type: single nucleotide variant.
Coding change: c.839T>C on transcript NM_001083962.2 (MANE Select); coding-DNA position 839, T replaced by C.
Protein change: p.Met280Thr; replaces methionine 280 with threonine.
Molecular consequence: missense variant.
Genome position (GRCh38, 1-based): chr18:55,269,914, A>G on the plus strand (T>C on the coding strand, the complement: TCF4 is on the minus strand). VCF-style: chr18-55269914-A-G. GRCh37 (hg19) VCF-style: chr18-52937145-A-G.
Other names: c.359T>C, p.Met120Thr (NM_001348216.2, NM_001243234.2, NM_001243235.2 and 2 more transcripts); c.767T>C, p.Met256Thr (NM_001348217.1, NM_001348218.2, NM_001348219.2 and 9 more transcripts); c.764T>C, p.Met255Thr (NM_001348220.1, NM_001369576.1, NM_001369578.1 and 3 more transcripts); c.839T>C, p.Met280Thr (NM_001369567.1, NM_001369568.1, NM_001369571.1 and 4 more transcripts); c.836T>C, p.Met279Thr (NM_001369569.1, NM_001369570.1, NM_001369573.1); c.1145T>C, p.Met382Thr (NM_001243226.3); c.857T>C, p.Met286Thr (NM_001243228.2); c.833T>C, p.Met278Thr (NM_001243230.2); and 4 more; short protein forms M280T, M120T, M255T, M286T, M209T, M278T, M279T, M64T.
Identifiers: ClinVar variation 571367 (VCV000571367.10), dbSNP rs1568580200, ClinGen allele CA402701263.